The following is an entry in ClinVar:

NM_001165963.4(SCN1A):c.2314del (p.Leu772fs)

Gene: SCN1A (sodium voltage-gated channel alpha subunit 1; minus strand). Cytogenetic location: 2q24.3.
Variant type: Deletion.
Coding change: c.2314del on transcript NM_001165963.4 (MANE Select); coding-DNA position 2314, one base deleted (C; older notation c.2314delC).
Protein change: p.Leu772fs; shifts the reading frame from leucine 772.
Molecular consequence: frameshift variant. On other transcripts: 5 prime UTR variant (1), non-coding transcript variant (1).
Genome position (GRCh38, 1-based): chr2:166,041,332, G deleted on the plus strand (C on the coding strand, the reverse complement: SCN1A is on the minus strand); the first of 2 consecutive G bases (chr2:166,041,332-166,041,333); deleting either gives the same sequence. VCF-style (leftmost placement, unchanged base first): chr2-166041331-AG-A. GRCh37 (hg19) VCF-style: chr2-166897841-AG-A.
Other names: c.2230del, p.Leu744fs (NM_001165964.3, NM_001353957.2, NM_001353958.2); c.2314del, p.Leu772fs (NM_001202435.3, NM_001353948.2); c.2281del, p.Leu761fs (NM_001353949.2, NM_001353950.2, NM_001353951.2 and 2 more transcripts); c.2278del, p.Leu760fs (NM_001353954.2, NM_001353955.2); c.2227del, p.Leu743fs (NM_001353960.2); c.-145del (NM_001353961.2); short protein forms L760fs, L761fs, L744fs, L772fs, L743fs.
Identifiers: ClinVar variation 420483 (VCV000420483.2), dbSNP rs1064794508, ClinGen allele CA16617306.

ClinVar aggregate classification (germline): Likely pathogenic (1 of 4 stars; one submission).

Submission:

GeneDx
Classification: Likely pathogenic. Last evaluated: 2016-02-19. Review status: criteria provided, single submitter. Criteria: GeneDx Variant Classification (06012015). Collection method: clinical testing. Allele origin: germline. Affected: yes.
Comment: A novel c.2314delC variant that is likely pathogenic has been identified in the SCN1A gene. The c.2314delC variant causes a frameshift starting with codon Leucine 772, changes this amino acid to a Tryptophan residue and creates a premature Stop codon at position 9 of the new reading frame, denoted p.Leu772TrpfsX9. This variant is predicted to cause loss of normal protein function either through protein truncation or nonsense-mediated mRNA decay. It was not observed in approximately 6,500 individuals of European and African American ancestry in the NHLBI Exome Sequencing Project, indicating it is not a common benign variant in these populations. Although this variant has not been reported previously to our knowledge, other frameshift variants have been reported in the Human Gene Mutation Database in association with SCN1A-related disorders (Stenson et al., 2014). Therefore, this variant is likely pathogenic; however, the possibility that it is benign cannot be excluded.